The following is an entry in ClinVar:

ClinVar aggregate classification (germline): Uncertain significance (1 of 4 stars; one submission).

Conditions:
Cardiovascular phenotype. Identifiers: MedGen CN230736.

Submission:

Ambry Genetics
Classification: Uncertain significance for Cardiovascular phenotype. Last evaluated: 2025-11-16. Review status: criteria provided, single submitter. Criteria: Ambry Variant Classification Scheme 2023. Collection method: clinical testing. Allele origin: germline.
Comment: The p.L1200P variant (also known as c.3599T>C), located in coding exon 23 of the SOS2 gene, results from a T to C substitution at nucleotide position 3599. The leucine at codon 1200 is replaced by proline, an amino acid with similar properties. This amino acid position is conserved. In addition, the in silico prediction for this alteration is inconclusive. Based on the available evidence, the clinical significance of this variant remains unclear.

NM_006939.4(SOS2):c.3599T>C (p.Leu1200Pro)

Gene: SOS2 (SOS Ras/Rho guanine nucleotide exchange factor 2; minus strand). Cytogenetic location: 14q21.3.
Variant type: single nucleotide variant.
Coding change: c.3599T>C on transcript NM_006939.4 (MANE Select); coding-DNA position 3599, T replaced by C.
Protein change: p.Leu1200Pro; replaces leucine 1200 with proline.
Molecular consequence: missense variant.
Genome position (GRCh38, 1-based): chr14:50,118,744, A>G on the plus strand (T>C on the coding strand, the complement: SOS2 is on the minus strand). VCF-style: chr14-50118744-A-G. GRCh37 (hg19) VCF-style: chr14-50585462-A-G.
Other names: c.3500T>C, p.Leu1167Pro (NM_001411020.1); short protein forms L1167P, L1200P.
Identifiers: ClinVar variation 4614994 (VCV004614994.1).